The following is an entry in ClinVar:

ClinVar aggregate classification (germline): Uncertain significance (1 of 4 stars; one submission).

gnomAD v4.1: 1 of 1,614,074 alleles (0.000062%); highest among the groups gnomAD compares: Admixed American, 0.0017%; no homozygotes.

Submission:

Labcorp Genetics (formerly Invitae), Labcorp
Classification: Uncertain significance. Last evaluated: 2024-10-24. Review status: criteria provided, single submitter. Criteria: Invitae Variant Classification Sherloc (09022015). Collection method: clinical testing. Allele origin: germline.
Comment: This sequence change replaces cysteine, which is neutral and slightly polar, with serine, which is neutral and polar, at codon 107 of the C9 protein (p.Cys107Ser). This variant is present in population databases (no rsID available, gnomAD 0.003%). This variant has not been reported in the literature in individuals affected with C9-related conditions. ClinVar contains an entry for this variant (Variation ID: 1965326). Invitae Evidence Modeling of protein sequence and biophysical properties (such as structural, functional, and spatial information, amino acid conservation, physicochemical variation, residue mobility, and thermodynamic stability) indicates that this missense variant is expected to disrupt C9 protein function with a positive predictive value of 80%. In summary, the available evidence is currently insufficient to determine the role of this variant in disease. Therefore, it has been classified as a Variant of Uncertain Significance.

NM_001737.5(C9):c.319T>A (p.Cys107Ser)

Gene: C9 (complement C9; minus strand). Cytogenetic location: 5p13.1.
Variant type: single nucleotide variant.
Coding change: c.319T>A on transcript NM_001737.5 (MANE Select); coding-DNA position 319, T replaced by A.
Protein change: p.Cys107Ser; replaces cysteine 107 with serine.
Molecular consequence: missense variant.
Genome position (GRCh38, 1-based): chr5:39,341,565, A>T on the plus strand (T>A on the coding strand, the complement: C9 is on the minus strand). VCF-style: chr5-39341565-A-T. GRCh37 (hg19) VCF-style: chr5-39341667-A-T.
Other names: short protein forms C107S.
Identifiers: ClinVar variation 1965326 (VCV001965326.4), dbSNP rs1437318634, ClinGen allele CA359563313.